The following is an entry in ClinVar:

NM_000051.4(ATM):c.2250+5G>C

Gene: ATM (ATM serine/threonine kinase; plus strand). Cytogenetic location: 11q22.3.
Variant type: single nucleotide variant.
Coding change: c.2250+5G>C on transcript NM_000051.4 (MANE Select); 5 bases into the intron after coding-DNA position 2250, G replaced by C.
Molecular consequence: intron variant.
Genome position (GRCh38, 1-based): chr11:108,256,345, G>C. VCF-style: chr11-108256345-G-C. GRCh37 (hg19) VCF-style: chr11-108127072-G-C.
Other names: c.2250+5G>C (NM_001351834.2).
Identifiers: ClinVar variation 959291 (VCV000959291.7), dbSNP rs1555075047, ClinGen allele CA1139662166.

ClinVar aggregate classification (germline): Uncertain significance (1 of 4 stars; one submission).

Conditions:
Ataxia-telangiectasia syndrome (AT). Also called: AT, COMPLEMENTATION GROUP C; Ataxia telangiectasia (A-T); Cerebello-oculocutaneous telangiectasia; Immunodeficiency with ataxia telangiectasia; LOUIS-BAR SYNDROME; Ataxia-telangiectasia. Identifiers: Orphanet 100, MedGen C0004135, MONDO:0008840, OMIM 208900.

Submission:

Labcorp Genetics (formerly Invitae), Labcorp
Classification: Uncertain significance for Ataxia-telangiectasia syndrome. Last evaluated: 2024-07-17. Review status: criteria provided, single submitter. Criteria: Invitae Variant Classification Sherloc (09022015). Collection method: clinical testing. Allele origin: germline.
Comment: This sequence change falls in intron 14 of the ATM gene. It does not directly change the encoded amino acid sequence of the ATM protein. RNA analysis indicates that this variant induces altered splicing and likely results in a shortened protein product. This variant is not present in population databases (gnomAD no frequency). This variant has not been reported in the literature in individuals affected with ATM-related conditions. ClinVar contains an entry for this variant (Variation ID: 959291). Variants that disrupt the consensus splice site are a relatively common cause of aberrant splicing (PMID: 17576681, 9536098). Studies have shown that this variant results in skipping of exon 14, but is expected to preserve the integrity of the reading-frame (Invitae). In summary, the available evidence is currently insufficient to determine the role of this variant in disease. Therefore, it has been classified as a Variant of Uncertain Significance.

Literature cited by the submitters: PubMed 17576681; PubMed 9536098.